The following is an entry in ClinVar:

NM_000540.3(RYR1):c.8400+2T>A

Genes: RYR1 (ryanodine receptor 1; plus strand), LOC126862902 (BRD4-independent group 4 enhancer GRCh37_chr19:38995830-38997029; plus strand). Cytogenetic location: 19q13.2.
Variant type: single nucleotide variant.
Coding change: c.8400+2T>A on transcript NM_000540.3 (MANE Select); the canonical splice donor site of the intron after coding-DNA position 8400, T replaced by A.
Molecular consequence: splice donor variant.
Genome position (GRCh38, 1-based): chr19:38,505,400, T>A. VCF-style: chr19-38505400-T-A. GRCh37 (hg19) VCF-style: chr19-38996040-T-A.
Other names: c.8400+2T>A (NM_001042723.2).
Identifiers: ClinVar variation 372658 (VCV000372658.1), dbSNP rs1057517909, ClinGen allele CA16043101.

ClinVar aggregate classification (germline): Likely pathogenic (1 of 4 stars; one submission).

Submission:

GeneDx
Classification: Likely pathogenic. Last evaluated: 2016-09-12. Review status: criteria provided, single submitter. Criteria: GeneDx Variant Classification (06012015). Collection method: clinical testing. Allele origin: germline. Affected: yes.
Comment: The c.8400+2T>A variant in the RYR1 gene has not been reported previously as a pathogenic variant nor as a benign variant, to our knowledge. This splice site variant destroys the canonical splice donor site in intron 53. It is predicted to cause abnormal gene splicing, either leading to an abnormal message that is subject to nonsense-mediated mRNA decay, or to an abnormal protein product if the message is used for protein translation. This variant was not observed in approximately 6500 individuals of European and African American ancestry in the NHLBI Exome Sequencing Project, indicating it is not a common benign variant in these populations. Therefore, we interpret c.8400+2T>A as a likely pathogenic variant.